The following is an entry in ClinVar:

NM_054012.4(ASS1):c.115G>C (p.Gly39Arg)

Gene: ASS1 (argininosuccinate synthase 1; plus strand). Cytogenetic location: 9q34.11.
Variant type: single nucleotide variant.
Coding change: c.115G>C on transcript NM_054012.4 (MANE Select); coding-DNA position 115, G replaced by C.
Protein change: p.Gly39Arg; replaces glycine 39 with arginine.
Molecular consequence: missense variant.
Genome position (GRCh38, 1-based): chr9:130,454,314, G>C. VCF-style: chr9-130454314-G-C. GRCh37 (hg19) VCF-style: chr9-133329701-G-C.
Other names: c.115G>C, p.Gly39Arg (NM_000050.4); short protein forms G39R.
Identifiers: ClinVar variation 1195920 (VCV001195920.10), dbSNP rs2131869276, ClinGen allele CA375223705.
Genomic context (GRCh38, chr9:130,454,314, plus strand): 5'-CTCAGGGCTCCCCCCAGGGGCTGACGGAGCCTCTCCGCTTCTGCTTCTCAGGCCAACATT[G>C]GCCAGAAGGAAGACTTCGAGGAAGCCAGGAAGAAGGCACTGAAGCTTGGGGCCAAAAAGG-3'
Protein context (NP_446464.1, residues 29-49): YDVIAYLANI[Gly39Arg]QKEDFEEARK

ClinVar aggregate classification (germline): Conflicting classifications of pathogenicity. Review status: criteria provided, conflicting classifications (1 of 4 stars). 3 submissions from 3 submitters: Pathogenic (1); Uncertain significance (2). Last evaluated 2024-07-22.

Conditions:
Citrullinemia type I (CTNL1). Also called: ASS DEFICIENCY; argininosuccinate synthetase deficiency. Identifiers: Orphanet 247525, MedGen C4721769, MONDO:0008988, OMIM 215700.
Citrullinemia. Identifiers: Orphanet 187, MedGen C0175683, MONDO:0015991.

gnomAD v4.1: 1 of 1,611,818 alleles (0.000062%); no homozygotes.

Submissions (3):

Labcorp Genetics (formerly Invitae), Labcorp
Classification: Pathogenic for Citrullinemia. Last evaluated: 2024-07-22. Review status: criteria provided, single submitter. Criteria: Invitae Variant Classification Sherloc (09022015). Collection method: clinical testing. Allele origin: germline.
Comment: This sequence change replaces glycine, which is neutral and non-polar, with arginine, which is basic and polar, at codon 39 of the ASS1 protein (p.Gly39Arg). This variant is not present in population databases (gnomAD no frequency). This missense change has been observed in individual(s) with clinical features of citrullinemia (Invitae). In at least one individual the data is consistent with being in trans (on the opposite chromosome) from a pathogenic variant. ClinVar contains an entry for this variant (Variation ID: 1195920). Advanced modeling of protein sequence and biophysical properties (such as structural, functional, and spatial information, amino acid conservation, physicochemical variation, residue mobility, and thermodynamic stability) performed at Invitae indicates that this missense variant is expected to disrupt ASS1 protein function with a positive predictive value of 80%. For these reasons, this variant has been classified as Pathogenic.

Genome-Nilou Lab
Classification: Uncertain significance for Citrullinemia type I. Last evaluated: 2021-07-14. Review status: criteria provided, single submitter. Criteria: ACMG Guidelines, 2015. Collection method: clinical testing. Allele origin: germline. Affected: no.

GeneDx
Classification: Uncertain significance. Last evaluated: 2021-06-04. Review status: criteria provided, single submitter. Criteria: GeneDx Variant Classification Process June 2021. Collection method: clinical testing. Allele origin: germline. Affected: yes.
Comment: Has not been previously published as pathogenic or benign to our knowledge; Not observed at significant frequency in large population cohorts (Lek et al., 2016); In silico analysis supports that this missense variant has a deleterious effect on protein structure/function; This variant is associated with the following publications: (PMID: 27535533)